The following is an entry in ClinVar:

ClinVar aggregate classification (germline): Uncertain significance (1 of 4 stars; one submission).

Allele frequency attached by ClinVar (database versions not stated): gnomAD 0.00001.
gnomAD v4.1: 10 of 1,613,284 alleles (0.00062%); highest among the groups gnomAD compares: African/African-American, 0.0027%; no homozygotes.

Submission:

Labcorp Genetics (formerly Invitae), Labcorp
Classification: Uncertain significance. Last evaluated: 2022-07-19. Review status: criteria provided, single submitter. Criteria: Invitae Variant Classification Sherloc (09022015). Collection method: clinical testing. Allele origin: germline.
Comment: This variant has not been reported in the literature in individuals affected with CACNA2D4-related conditions. This variant is present in population databases (rs753921645, gnomAD 0.003%). This sequence change replaces arginine, which is basic and polar, with glutamine, which is neutral and polar, at codon 135 of the CACNA2D4 protein (p.Arg135Gln). In summary, the available evidence is currently insufficient to determine the role of this variant in disease. Therefore, it has been classified as a Variant of Uncertain Significance. Algorithms developed to predict the effect of missense changes on protein structure and function (SIFT, PolyPhen-2, Align-GVGD) all suggest that this variant is likely to be tolerated. ClinVar contains an entry for this variant (Variation ID: 1348124).

NM_172364.5(CACNA2D4):c.404G>A (p.Arg135Gln)

Gene: CACNA2D4 (calcium voltage-gated channel auxiliary subunit alpha2delta 4; minus strand). Cytogenetic location: 12p13.33.
Variant type: single nucleotide variant.
Coding change: c.404G>A on transcript NM_172364.5 (MANE Select); coding-DNA position 404, G replaced by A.
Protein change: p.Arg135Gln; replaces arginine 135 with glutamine.
Molecular consequence: missense variant.
Genome position (GRCh38, 1-based): chr12:1,913,045, C>T on the plus strand (G>A on the coding strand, the complement: CACNA2D4 is on the minus strand). VCF-style: chr12-1913045-C-T. GRCh37 (hg19) VCF-style: chr12-2022211-C-T.
Other names: short protein forms R135Q.
Identifiers: ClinVar variation 1348124 (VCV001348124.8), dbSNP rs753921645, ClinGen allele CA6387559.